The following is an entry in ClinVar:

NM_002234.4(KCNA5):c.506G>A (p.Arg169Gln)

Gene: KCNA5 (potassium voltage-gated channel subfamily A member 5; plus strand). Cytogenetic location: 12p13.32.
Variant type: single nucleotide variant.
Coding change: c.506G>A on transcript NM_002234.4 (MANE Select); coding-DNA position 506, G replaced by A.
Protein change: p.Arg169Gln; replaces arginine 169 with glutamine.
Molecular consequence: missense variant.
Genome position (GRCh38, 1-based): chr12:5,044,653, G>A. VCF-style: chr12-5044653-G-A. GRCh37 (hg19) VCF-style: chr12-5153819-G-A.
Other names: short protein forms R169Q.
Identifiers: ClinVar variation 4691465 (VCV004691465.1).

ClinVar aggregate classification (germline): Uncertain significance (1 of 4 stars; one submission).

Conditions:
Atrial fibrillation, familial, 7 (ATFB7). Identifiers: MedGen C2677106, MONDO:0012828, OMIM 612240.

Submission:

Labcorp Genetics (formerly Invitae), Labcorp
Classification: Uncertain significance for Atrial fibrillation, familial, 7. Last evaluated: 2025-03-07. Review status: criteria provided, single submitter. Criteria: Invitae Variant Classification Sherloc (09022015). Collection method: clinical testing. Allele origin: germline.
Comment: This sequence change replaces arginine, which is basic and polar, with glutamine, which is neutral and polar, at codon 169 of the KCNA5 protein (p.Arg169Gln). This variant is not present in population databases (gnomAD no frequency). This variant has not been reported in the literature in individuals affected with KCNA5-related conditions. Invitae Evidence Modeling of protein sequence and biophysical properties (such as structural, functional, and spatial information, amino acid conservation, physicochemical variation, residue mobility, and thermodynamic stability) indicates that this missense variant is expected to disrupt KCNA5 protein function with a positive predictive value of 80%. In summary, the available evidence is currently insufficient to determine the role of this variant in disease. Therefore, it has been classified as a Variant of Uncertain Significance.